The following is an entry in ClinVar:

NM_001204.7(BMPR2):c.2854A>T (p.Ser952Cys)

Gene: BMPR2 (bone morphogenetic protein receptor type 2; plus strand). Cytogenetic location: 2q33.2.
Variant type: single nucleotide variant.
Coding change: c.2854A>T on transcript NM_001204.7 (MANE Select); coding-DNA position 2854, A replaced by T.
Protein change: p.Ser952Cys; replaces serine 952 with cysteine.
Molecular consequence: missense variant.
Genome position (GRCh38, 1-based): chr2:202,556,519, A>T. VCF-style: chr2-202556519-A-T. GRCh37 (hg19) VCF-style: chr2-203421242-A-T.
Other names: short protein forms S952C.
Identifiers: ClinVar variation 4843383 (VCV004843383.1).

ClinVar aggregate classification (germline): Uncertain significance (1 of 4 stars; one submission).

Conditions:
Inborn genetic diseases. Identifiers: MedGen C0950123, MeSH D030342.

Submission:

Ambry Genetics
Classification: Uncertain significance for Inborn genetic diseases. Last evaluated: 2026-01-14. Review status: criteria provided, single submitter. Criteria: Ambry Variant Classification Scheme 2023. Collection method: clinical testing. Allele origin: germline.
Comment: The p.S952C variant (also known as c.2854A>T), located in coding exon 12 of the BMPR2 gene, results from an A to T substitution at nucleotide position 2854. The serine at codon 952 is replaced by cysteine, an amino acid with dissimilar properties. This amino acid position is conserved. In addition, this alteration is predicted to be tolerated by in silico analysis. Based on the available evidence, the clinical significance of this variant remains unclear.